The following is an entry in ClinVar:

ClinVar aggregate classification (germline): Pathogenic/Likely pathogenic. Review status: criteria provided, multiple submitters, no conflicts (2 of 4 stars). 2 submissions from 2 submitters: Pathogenic (1); Likely pathogenic (1). Last evaluated 2025-02-01.

Conditions:
Retinitis pigmentosa 25 (RP25). Identifiers: Orphanet 791, MedGen C1864446, MONDO:0011272, OMIM 602772.

gnomAD v4.1: 1 of 1,542,758 alleles (0.000065%); highest among the groups gnomAD compares: Non-Finnish European, 0.000088%; no homozygotes.

Submissions (2):

Myriad Genetics, Inc.
Classification: Pathogenic for Retinitis pigmentosa 25. Last evaluated: 2025-02-01. Review status: criteria provided, single submitter. Criteria: Myriad Autosomal Dominant, Autosomal Recessive and X-Linked Classification Criteria (2023). Collection method: clinical testing. Allele origin: unknown.
Comment: NM_001142800.1(EYS):c.6595C>T(Q2199*) is expected to be pathogenic in the context of retinitis pigmentosa, EYS-related. This variant is predicted to lead to an abnormal or absent protein product due to the creation of a premature termination codon in EYS, a gene where loss-of-function variants are known to be pathogenic. Please note: this variant was assessed in the context of healthy population screening.

Baylor Genetics
Classification: Likely pathogenic for Retinitis pigmentosa 25. Last evaluated: 2022-06-17. Review status: criteria provided, single submitter. Criteria: ACMG Guidelines, 2015. Collection method: clinical testing. Allele origin: unknown.

NM_001142800.2(EYS):c.6595C>T (p.Gln2199Ter)

Gene: EYS (EGF-like photoreceptor maintenance factor; minus strand). Cytogenetic location: 6q12.
Variant type: single nucleotide variant.
Coding change: c.6595C>T on transcript NM_001142800.2 (MANE Select); coding-DNA position 6595, C replaced by T.
Protein change: p.Gln2199Ter; replaces glutamine 2199 with a stop codon.
Molecular consequence: nonsense.
Genome position (GRCh38, 1-based): chr6:64,066,468, G>A on the plus strand (C>T on the coding strand, the complement: EYS is on the minus strand). VCF-style: chr6-64066468-G-A. GRCh37 (hg19) VCF-style: chr6-64776361-G-A.
Other names: c.6595C>T, p.Gln2199Ter (NM_001292009.2); short protein forms Q2199*.
Identifiers: ClinVar variation 2675324 (VCV002675324.2), dbSNP rs1212231432, ClinGen allele CA364389921.
Genomic context (GRCh38, chr6:64,066,468, plus strand): 5'-AATTTCCACACCCATATTTAACTGATGGCCTTCCTTCCACAAGAAATAAATGAAGAAACT[G>A]CTTTCCACAATTATTCCCATTACCTTTAAGAAAAAAAGAATATATTAGTAATTATTGTAG-3'